The following is an entry in ClinVar:

ClinVar aggregate classification (germline): Benign/Likely benign. Review status: criteria provided, multiple submitters, no conflicts (2 of 4 stars). 4 submissions from 4 submitters: Benign (2); Likely benign (2). Last evaluated 2025-01-22.

Conditions:
Autosomal dominant cerebellar ataxia. Also called: Spinocerebellar Ataxia, Dominant. Identifiers: Orphanet 99, MedGen C4087347, MONDO:0020380.

Allele frequency attached by ClinVar (database versions not stated): gnomAD exomes 0.00006 and 0.00015; ESP Exome Variant Server 0.00008; TOPMed 0.00010; ExAC 0.00011; gnomAD 0.00013 and 0.00014.

Submissions (4):

Labcorp Genetics (formerly Invitae), Labcorp
Classification: Benign. Last evaluated: 2025-01-22. Review status: criteria provided, single submitter. Criteria: Invitae Variant Classification Sherloc (09022015). Collection method: clinical testing. Allele origin: germline.

Athena Diagnostics
Classification: Benign. Last evaluated: 2019-01-09. Review status: criteria provided, single submitter. Criteria: Athena Diagnostics Criteria. Collection method: clinical testing. Allele origin: germline.

Illumina Laboratory Services, Illumina
Classification: Likely benign for Spinocerebellar Ataxia, Dominant. Last evaluated: 2018-01-13. Review status: criteria provided, single submitter. Criteria: ICSL Variant Classification Criteria 13 December 2019. Collection method: clinical testing. Allele origin: germline.
Comment: This variant was observed in the ICSL laboratory as part of a predisposition screen in an ostensibly healthy population. It had not been previously curated by ICSL or reported in the Human Gene Mutation Database (HGMD: prior to June 1st, 2018), and was therefore a candidate for classification through an automated scoring system. Utilizing variant allele frequency, disease prevalence and penetrance estimates, and inheritance mode, an automated score was calculated to assess if this variant is too frequent to cause the disease. Based on the score and internal cut-off values, a variant classified as likely benign is not then subjected to further curation. The score for this variant resulted in a classification of likely benign for this disease.

Breakthrough Genomics
Classification: Likely benign. Review status: criteria provided, single submitter. Criteria: ACMG Guidelines, 2015. Collection method: not provided. Allele origin: germline. Inheritance: Autosomal dominant inheritance. Affected: yes.

NM_001378452.1(ITPR1):c.2616G>A (p.Arg872=)

Gene: ITPR1 (inositol 1,4,5-trisphosphate receptor type 1; plus strand). Cytogenetic location: 3p26.1.
Variant type: single nucleotide variant.
Coding change: c.2616G>A on transcript NM_001378452.1 (MANE Select); coding-DNA position 2616, G replaced by A.
Protein change: p.Arg872=; no amino-acid change (arginine 872 retained).
Molecular consequence: synonymous variant.
Genome position (GRCh38, 1-based): chr3:4,675,085, G>A. VCF-style: chr3-4675085-G-A. GRCh37 (hg19) VCF-style: chr3-4716769-G-A.
Other names: c.2616G>A, p.Arg872= (NM_001099952.4); c.2571G>A, p.Arg857= (NM_001168272.2, NM_002222.7).
Identifiers: ClinVar variation 804932 (VCV000804932.10), dbSNP rs375533002, ClinGen allele CA2231471.
Genomic context (GRCh38, chr3:4,675,085, plus strand): 5'-AGTTTATGTAATACCGTCTTCTTCTTTTATTTTAATACAATAGGTTGTAAATTTAGCTAG[G>A]AATCTCATATACTTTGGTTTCTACAACTTCTCTGACCTTCTACGATTAACTAAGATCCTT-3'
Protein context (NP_001365381.1, residues 862-882): KLTFEVVNLA[Arg872=]NLIYFGFYNF